The following is an entry in ClinVar:

NM_000051.4(ATM):c.5695T>A (p.Cys1899Ser)

Gene: ATM (ATM serine/threonine kinase; plus strand). Cytogenetic location: 11q22.3.
Variant type: single nucleotide variant.
Coding change: c.5695T>A on transcript NM_000051.4 (MANE Select); coding-DNA position 5695, T replaced by A.
Protein change: p.Cys1899Ser; replaces cysteine 1899 with serine.
Molecular consequence: missense variant.
Genome position (GRCh38, 1-based): chr11:108,307,917, T>A. VCF-style: chr11-108307917-T-A. GRCh37 (hg19) VCF-style: chr11-108178644-T-A.
Other names: c.5695T>A, p.Cys1899Ser (NM_001351834.2); short protein forms C1899S.
Identifiers: ClinVar variation 481216 (VCV000481216.18), dbSNP rs373213507, ClinGen allele CA382547796.

ClinVar aggregate classification (germline): Conflicting classifications of pathogenicity. Review status: criteria provided, conflicting classifications (1 of 4 stars). 3 submissions from 3 submitters: Uncertain significance (1); Likely benign (1). 1 of the submissions does not count toward it. Last evaluated 2025-07-31.

Conditions:
Hereditary cancer-predisposing syndrome. Also called: Hereditary neoplastic syndrome; Neoplastic Syndromes, Hereditary; Tumor predisposition; Hereditary Cancer Syndrome. Identifiers: Orphanet 140162, MedGen C0027672, MeSH D009386, MONDO:0015356.
Ataxia-telangiectasia syndrome (AT). Also called: LOUIS-BAR SYNDROME; Cerebello-oculocutaneous telangiectasia; Immunodeficiency with ataxia telangiectasia; AT, COMPLEMENTATION GROUP C; Ataxia-telangiectasia, complementation group D; ATAXIA-TELANGIECTASIA, COMPLEMENTATION GROUP A. Identifiers: Orphanet 100, MedGen C0004135, MONDO:0008840, OMIM 208900.

Allele frequency attached by ClinVar (database versions not stated): TOPMed below 0.00001.

Submissions (3):

Labcorp Genetics (formerly Invitae), Labcorp
Classification: Uncertain significance for Ataxia-telangiectasia syndrome. Last evaluated: 2025-07-31. Review status: criteria provided, single submitter. Criteria: Invitae Variant Classification Sherloc (09022015). Collection method: clinical testing. Allele origin: germline.
Comment: This sequence change replaces cysteine, which is neutral and slightly polar, with serine, which is neutral and polar, at codon 1899 of the ATM protein (p.Cys1899Ser). This variant is not present in population databases (gnomAD no frequency). This variant has not been reported in the literature in individuals affected with ATM-related conditions. ClinVar contains an entry for this variant (Variation ID: 481216). Invitae Evidence Modeling of protein sequence and biophysical properties (such as structural, functional, and spatial information, amino acid conservation, physicochemical variation, residue mobility, and thermodynamic stability) indicates that this missense variant is not expected to disrupt ATM protein function with a negative predictive value of 95%. In summary, the available evidence is currently insufficient to determine the role of this variant in disease. Therefore, it has been classified as a Variant of Uncertain Significance.

Ambry Genetics
Classification: Likely benign for Hereditary cancer-predisposing syndrome. Last evaluated: 2025-03-31. Review status: criteria provided, single submitter. Criteria: Ambry Variant Classification Scheme 2023. Collection method: clinical testing. Allele origin: germline.

Natera, Inc.
Classification: Uncertain significance for Ataxia-telangiectasia. Last evaluated: 2021-05-27. Review status: no assertion criteria provided. Collection method: clinical testing. Allele origin: germline. Not counted in ClinVar's aggregate classification.